The following is an entry in ClinVar:

NM_001283009.2(RTEL1):c.2026-15C>A

Genes: RTEL1 (regulator of telomere elongation helicase 1; plus strand), RTEL1-TNFRSF6B (RTEL1-TNFRSF6B readthrough (NMD candidate); plus strand). Cytogenetic location: 20q13.33.
Variant type: single nucleotide variant.
Coding change: c.2026-15C>A on transcript NM_001283009.2 (MANE Select); 15 bases into the intron before coding-DNA position 2026, C replaced by A.
Molecular consequence: intron variant.
Genome position (GRCh38, 1-based): chr20:63,689,735, C>A. VCF-style: chr20-63689735-C-A. GRCh37 (hg19) VCF-style: chr20-62321088-C-A.
Other names: c.1357-15C>A (NM_001283010.1); c.2098-15C>A (NM_032957.5); c.2026-15C>A (NM_016434.4).
Identifiers: ClinVar variation 3752323 (VCV003752323.2).
Genomic context (GRCh38, chr20:63,689,735, plus strand): 5'-GTAAGGCGGTCTGGTGACTGAGCCCCCGCCCCGTGGCCAAGGGAGCCCCCGTGACCGAGC[C>A]GCCTCGCCCCACAGTTCCTCTCTGGGCAGGAGTGGTACCGGCAGCAGGCGTCCAGGGCTG-3'

ClinVar aggregate classification (germline): Uncertain significance (1 of 4 stars; one submission).

Conditions:
Pulmonary fibrosis and/or bone marrow failure, Telomere-related, 3. Also called: PULMONARY FIBROSIS AND/OR BONE MARROW FAILURE SYNDROME, TELOMERE-RELATED, 3. Identifiers: Orphanet 2032, MedGen C4225346, MONDO:0014613, OMIM 616373.
Dyskeratosis congenita, autosomal recessive 5 (DKCB5). Identifiers: MedGen C3554656, MONDO:0014076, OMIM 615190.

Submission:

Labcorp Genetics (formerly Invitae), Labcorp
Classification: Uncertain significance for Dyskeratosis congenita, autosomal recessive 5; Pulmonary fibrosis and/or bone marrow failure, Telomere-related, 3. Last evaluated: 2025-01-17. Review status: criteria provided, single submitter. Criteria: Invitae Variant Classification Sherloc (09022015). Collection method: clinical testing. Allele origin: germline.
Comment: This sequence change falls in intron 23 of the RTEL1 gene. It does not directly change the encoded amino acid sequence of the RTEL1 protein. This variant is not present in population databases (gnomAD no frequency). This variant has not been reported in the literature in individuals affected with RTEL1-related conditions. Algorithms developed to predict the effect of sequence changes on RNA splicing suggest that this variant may create or strengthen a splice site. In summary, the available evidence is currently insufficient to determine the role of this variant in disease. Therefore, it has been classified as a Variant of Uncertain Significance.